The following is an entry in ClinVar:

ClinVar aggregate classification (germline): Uncertain significance. Review status: criteria provided, multiple submitters, no conflicts (2 of 4 stars). 3 submissions from 3 submitters: Uncertain significance (3). Last evaluated 2024-06-09.

Conditions:
Autoinflammatory syndrome. Identifiers: Orphanet 93665, MedGen C3890737, MONDO:0019751.
Cryopyrin associated periodic syndrome (CAPS). Identifiers: Orphanet 208650, MedGen C2316212, MONDO:0016168.
Familial cold autoinflammatory syndrome 1 (FCAS1). Also called: Familial cold inflammatory syndrome 1; CRYOPYRIN-ASSOCIATED PERIODIC SYNDROME 1. Identifiers: Orphanet 47045, MedGen C4551895, MONDO:0007349, OMIM 120100.
Hearing loss, autosomal dominant 34, with or without inflammation. Also called: DEAFNESS, AUTOSOMAL DOMINANT 34, WITH OR WITHOUT INFLAMMATION. Identifiers: MedGen C4521680, MONDO:0033261, OMIM 617772.
Familial amyloid nephropathy with urticaria AND deafness (MWS). Also called: UDA SYNDROME; URTICARIA-DEAFNESS-AMYLOIDOSIS SYNDROME; MUCKLE-WELLS SYNDROME; Urticaria, deafness and amyloidosis; CRYOPYRIN-ASSOCIATED PERIODIC SYNDROME 2. Identifiers: Orphanet 575, MedGen C0268390, MONDO:0008633, OMIM 191900.
Keratitis fugax hereditaria. Also called: KERATOENDOTHELIITIS FUGAX HEREDITARIA. Identifiers: Orphanet 647815, MedGen C1835697, MONDO:0007849, OMIM 148200.
Chronic infantile neurological, cutaneous and articular syndrome (CINCA). Also called: CHRONIC NEUROLOGIC CUTANEOUS AND ARTICULAR SYNDROME; Prieur Griscelli syndrome; CINCA syndrome; CRYOPYRIN-ASSOCIATED PERIODIC SYNDROME 3. Identifiers: Orphanet 1451, MedGen C0409818, MONDO:0011776, OMIM 607115.

Allele frequency attached by ClinVar (database versions not stated): ExAC 0.00001; gnomAD 0.00001; gnomAD exomes 0.00002.
gnomAD v4.1: 25 of 1,613,816 alleles (0.0015%); highest among the groups gnomAD compares: East Asian, 0.031%; no homozygotes.

Submissions (3):

Labcorp Genetics (formerly Invitae), Labcorp
Classification: Uncertain significance for Cryopyrin associated periodic syndrome. Last evaluated: 2024-06-09. Review status: criteria provided, single submitter. Criteria: Invitae Variant Classification Sherloc (09022015). Collection method: clinical testing. Allele origin: germline.
Comment: This sequence change replaces arginine, which is basic and polar, with cysteine, which is neutral and slightly polar, at codon 172 of the NLRP3 protein (p.Arg172Cys). This variant is present in population databases (rs747885829, gnomAD 0.01%). This variant has not been reported in the literature in individuals affected with NLRP3-related conditions. ClinVar contains an entry for this variant (Variation ID: 1694438). Advanced modeling of protein sequence and biophysical properties (such as structural, functional, and spatial information, amino acid conservation, physicochemical variation, residue mobility, and thermodynamic stability) performed at Invitae indicates that this missense variant is not expected to disrupt NLRP3 protein function with a negative predictive value of 95%. In summary, the available evidence is currently insufficient to determine the role of this variant in disease. Therefore, it has been classified as a Variant of Uncertain Significance.

Fulgent Genetics
Classification: Uncertain significance for Familial cold autoinflammatory syndrome 1; Keratitis fugax hereditaria; Familial amyloid nephropathy with urticaria AND deafness; Chronic infantile neurological, cutaneous and articular syndrome; Hearing loss, autosomal dominant 34, with or without inflammation. Last evaluated: 2024-01-02. Review status: criteria provided, single submitter. Criteria: ACMG Guidelines, 2015. Collection method: clinical testing. Allele origin: germline.

Genome Diagnostics Laboratory, The Hospital for Sick Children
Classification: Uncertain significance for Autoinflammatory syndrome. Last evaluated: 2020-02-01. Review status: criteria provided, single submitter. Criteria: ACMG Guidelines, 2015. Collection method: clinical testing. Allele origin: germline. Affected: yes.

NM_001243133.2(NLRP3):c.508C>T (p.Arg170Cys)

Gene: NLRP3 (NLR family pyrin domain containing 3; plus strand). Cytogenetic location: 1q44.
Variant type: single nucleotide variant.
Coding change: c.508C>T on transcript NM_001243133.2 (MANE Select); coding-DNA position 508, C replaced by T.
Protein change: p.Arg170Cys; replaces arginine 170 with cysteine.
Molecular consequence: missense variant.
Genome position (GRCh38, 1-based): chr1:247,423,957, C>T. VCF-style: chr1-247423957-C-T. GRCh37 (hg19) VCF-style: chr1-247587259-C-T.
Other names: c.508C>T, p.Arg170Cys (NM_001079821.3, NM_001127461.3, NM_001127462.3 and 1 more transcripts); c.514C>T, p.Arg172Cys (NM_004895.5); short protein forms R170C, R172C.
Identifiers: ClinVar variation 1694438 (VCV001694438.7), dbSNP rs747885829, ClinGen allele CA1494881.